The following is an entry in ClinVar:

ClinVar aggregate classification (germline): Uncertain significance (1 of 4 stars; one submission).

Submission:

Labcorp Genetics (formerly Invitae), Labcorp
Classification: Uncertain significance. Last evaluated: 2025-11-17. Review status: criteria provided, single submitter. Criteria: Invitae Variant Classification Sherloc (09022015). Collection method: clinical testing. Allele origin: germline.
Comment: This sequence change replaces serine, which is neutral and polar, with arginine, which is basic and polar, at codon 129 of the LZTR1 protein (p.Ser129Arg). This variant is present in population databases (no rsID available, gnomAD no frequency). This variant has not been reported in the literature in individuals affected with LZTR1-related conditions. Invitae Evidence Modeling of protein sequence and biophysical properties (such as structural, functional, and spatial information, amino acid conservation, physicochemical variation, residue mobility, and thermodynamic stability) indicates that this missense variant is not expected to disrupt LZTR1 protein function with a negative predictive value of 80%. In summary, the available evidence is currently insufficient to determine the role of this variant in disease. Therefore, it has been classified as a Variant of Uncertain Significance.

NM_006767.4(LZTR1):c.387C>G (p.Ser129Arg)

Gene: LZTR1 (leucine zipper like post translational regulator 1; plus strand). Cytogenetic location: 22q11.21.
Variant type: single nucleotide variant.
Coding change: c.387C>G on transcript NM_006767.4 (MANE Select); coding-DNA position 387, C replaced by G.
Protein change: p.Ser129Arg; replaces serine 129 with arginine.
Molecular consequence: missense variant.
Genome position (GRCh38, 1-based): chr22:20,987,570, C>G. VCF-style: chr22-20987570-C-G. GRCh37 (hg19) VCF-style: chr22-21341859-C-G.
Other names: short protein forms S129R.
Identifiers: ClinVar variation 4744440 (VCV004744440.1).
Genomic context (GRCh38, chr22:20,987,570, plus strand): 5'-TACCACTGGGACCCCACCGGCCCCCCGTTACCACCACTCGGCCGTCGTCTATGGGAGCAG[C>G]ATGTTTGTCTTTGGTAAGCAGCCTCTTGCCTCCCAGGGGCTGTGTCGCCCCGAGGCCCAC-3'
Protein context (NP_006758.2, residues 119-139): YHHSAVVYGS[Ser129Arg]MFVFGGYTGD